The following is an entry in ClinVar:

ClinVar aggregate classification (germline): Uncertain significance. Review status: criteria provided, multiple submitters, no conflicts (2 of 4 stars). 3 submissions from 3 submitters: Uncertain significance (3). Last evaluated 2023-04-11.

Conditions:
Developmental and epileptic encephalopathy, 69. Also called: EPILEPTIC ENCEPHALOPATHY, EARLY INFANTILE, 69. Identifiers: MedGen C4748988, MONDO:0032657, OMIM 618285.

Allele frequency attached by ClinVar (database versions not stated): gnomAD 0.00001; TOPMed 0.00001.
gnomAD v4.1: 2 of 1,612,932 alleles (0.00012%); highest among the groups gnomAD compares: African/African-American, 0.0013%; no homozygotes.

Submissions (3):

Genome-Nilou Lab
Classification: Uncertain significance for Developmental and epileptic encephalopathy, 69. Last evaluated: 2023-04-11. Review status: criteria provided, single submitter. Criteria: ACMG Guidelines, 2015. Collection method: clinical testing. Allele origin: germline. Affected: no.

GeneDx
Classification: Uncertain significance. Last evaluated: 2022-12-07. Review status: criteria provided, single submitter. Criteria: GeneDx Variant Classification Process June 2021. Collection method: clinical testing. Allele origin: germline. Affected: yes.
Comment: Not observed at significant frequency in large population cohorts (gnomAD); In silico analysis supports that this missense variant does not alter protein structure/function; Has not been previously published as pathogenic or benign to our knowledge

Labcorp Genetics (formerly Invitae), Labcorp
Classification: Uncertain significance. Last evaluated: 2022-09-09. Review status: criteria provided, single submitter. Criteria: Invitae Variant Classification Sherloc (09022015). Collection method: clinical testing. Allele origin: germline.
Comment: In summary, the available evidence is currently insufficient to determine the role of this variant in disease. Therefore, it has been classified as a Variant of Uncertain Significance. Advanced modeling of protein sequence and biophysical properties (such as structural, functional, and spatial information, amino acid conservation, physicochemical variation, residue mobility, and thermodynamic stability) has been performed at Invitae for this missense variant, however the output from this modeling did not meet the statistical confidence thresholds required to predict the impact of this variant on CACNA1E protein function. This variant has not been reported in the literature in individuals affected with CACNA1E-related conditions. This variant is not present in population databases (gnomAD no frequency). This sequence change replaces alanine, which is neutral and non-polar, with threonine, which is neutral and polar, at codon 1033 of the CACNA1E protein (p.Ala1033Thr).

NM_001205293.3(CACNA1E):c.3097G>A (p.Ala1033Thr)

Gene: CACNA1E (calcium voltage-gated channel subunit alpha1 E; plus strand). Cytogenetic location: 1q25.3.
Variant type: single nucleotide variant.
Coding change: c.3097G>A on transcript NM_001205293.3 (MANE Select); coding-DNA position 3097, G replaced by A.
Protein change: p.Ala1033Thr; replaces alanine 1033 with threonine.
Molecular consequence: missense variant.
Genome position (GRCh38, 1-based): chr1:181,733,585, G>A. VCF-style: chr1-181733585-G-A. GRCh37 (hg19) VCF-style: chr1-181702721-G-A.
Other names: c.3097G>A, p.Ala1033Thr (NM_000721.4); c.3040G>A, p.Ala1014Thr (NM_001205294.2); c.3097G>A (NM_000721.3); short protein forms A1014T, A1033T.
Identifiers: ClinVar variation 1945755 (VCV001945755.7), dbSNP rs1316464121, ClinGen allele CA343620961.